The following is an entry in ClinVar:

ClinVar aggregate classification (germline): Uncertain significance (1 of 4 stars; one submission).

Submission:

Labcorp Genetics (formerly Invitae), Labcorp
Classification: Uncertain significance. Last evaluated: 2024-12-24. Review status: criteria provided, single submitter. Criteria: Invitae Variant Classification Sherloc (09022015). Collection method: clinical testing. Allele origin: germline.
Comment: This sequence change creates a premature translational stop signal (p.Phe151Valfs*27) in the RHOBTB2 gene. It is expected to result in an absent or disrupted protein product. However, the current clinical and genetic evidence is not sufficient to establish whether loss-of-function variants in RHOBTB2 cause disease. This variant is not present in population databases (gnomAD no frequency). This variant has not been reported in the literature in individuals affected with RHOBTB2-related conditions. In summary, the available evidence is currently insufficient to determine the role of this variant in disease. Therefore, it has been classified as a Variant of Uncertain Significance.

NM_015178.3(RHOBTB2):c.363_384dup (p.Phe129fs)

Gene: RHOBTB2 (Rho related BTB domain containing 2; plus strand). Cytogenetic location: 8p21.3.
Variant type: Duplication.
Coding change: c.363_384dup on transcript NM_015178.3 (MANE Select); coding-DNA positions 363 to 384, 22 bases duplicated (GTGGTACCCAGAAATCAAGCAC).
Protein change: p.Phe129fs; shifts the reading frame from phenylalanine 129.
Molecular consequence: frameshift variant.
Genome position (GRCh38, 1-based): chr8:23,006,026-23,006,047, GTGGTACCCAGAAATCAAGCAC duplicated. VCF-style (leftmost placement, unchanged base first): chr8-23006025-T-TGTGGTACCCAGAAATCAAGCAC. GRCh37 (hg19) VCF-style: chr8-22863538-T-TGTGGTACCCAGAAATCAAGCAC.
Other names: c.429_450dup, p.Phe151fs (NM_001160036.2); c.384_405dup, p.Phe136fs (NM_001160037.2); c.363_384dup, p.Phe129fs (NM_001374791.1); short protein forms F129fs, F136fs, F151fs.
Identifiers: ClinVar variation 3727967 (VCV003727967.2).